The following is an entry in ClinVar:

NM_004214.5(FIBP):c.827C>A (p.Ser276Tyr)

Gene: FIBP (FGF1 intracellular binding protein; minus strand). Cytogenetic location: 11q13.1.
Variant type: single nucleotide variant.
Coding change: c.827C>A on transcript NM_004214.5 (MANE Select); coding-DNA position 827, C replaced by A.
Protein change: p.Ser276Tyr; replaces serine 276 with tyrosine.
Molecular consequence: missense variant.
Genome position (GRCh38, 1-based): chr11:65,884,649, G>T on the plus strand (C>A on the coding strand, the complement: FIBP is on the minus strand). VCF-style: chr11-65884649-G-T. GRCh37 (hg19) VCF-style: chr11-65652120-G-T.
Other names: c.848C>A, p.Ser283Tyr (NM_198897.2); short protein forms S276Y, S283Y.
Identifiers: ClinVar variation 2229100 (VCV002229100.2), dbSNP rs2495604983, ClinGen allele CA381332386.

ClinVar aggregate classification (germline): Uncertain significance (1 of 4 stars; one submission).

Conditions:
Inborn genetic diseases. Identifiers: MedGen C0950123, MeSH D030342.

Submission:

Ambry Genetics
Classification: Uncertain significance for Inborn genetic diseases. Last evaluated: 2021-01-27. Review status: criteria provided, single submitter. Criteria: Ambry Variant Classification Scheme 2023. Collection method: clinical testing. Allele origin: germline.
Comment: The c.848C>A (p.S283Y) alteration is located in exon 8 (coding exon 8) of the FIBP gene. This alteration results from a C to A substitution at nucleotide position 848, causing the serine (S) at amino acid position 283 to be replaced by a tyrosine (Y). The in silico prediction for the p.S283Y alteration is inconclusive. Based on insufficient or conflicting evidence, the clinical significance of this alteration remains unclear.